The following is an entry in ClinVar:

NM_005909.5(MAP1B):c.2035G>T (p.Glu679Ter)

Gene: MAP1B (microtubule associated protein 1B; plus strand). Cytogenetic location: 5q13.2.
Variant type: single nucleotide variant.
Coding change: c.2035G>T on transcript NM_005909.5 (MANE Select); coding-DNA position 2035, G replaced by T.
Protein change: p.Glu679Ter; replaces glutamic acid 679 with a stop codon.
Molecular consequence: nonsense.
Genome position (GRCh38, 1-based): chr5:72,195,390, G>T. VCF-style: chr5-72195390-G-T. GRCh37 (hg19) VCF-style: chr5-71491217-G-T.
Other names: c.1657G>T, p.Glu553Ter (NM_001324255.2); c.2035G>T (NM_005909.3); short protein forms E679*, E553*.
Identifiers: ClinVar variation 930211 (VCV000930211.2), dbSNP rs371409009, ClinGen allele CA360003167.

ClinVar aggregate classification (germline): Pathogenic. Review status: criteria provided, single submitter (1 of 4 stars). 2 submissions from 2 submitters: Pathogenic (1). 1 of the submissions does not count toward it. Last evaluated 2025-08-02.

Conditions:
Periventricular nodular heterotopia 9. Identifiers: MedGen C5394503, MONDO:0030061, OMIM 618918.

Submissions (2):

GeneDx
Classification: Pathogenic. Last evaluated: 2025-08-02. Review status: criteria provided, single submitter. Criteria: GeneDx Variant Classification Process June 2021. Collection method: clinical testing. Allele origin: germline. Affected: yes.
Comment: Nonsense variant predicted to result in protein truncation or nonsense mediated decay in a gene for which loss of function is a known mechanism of disease; Not observed at significant frequency in large population cohorts (gnomAD); This variant is associated with the following publications: (PMID: 31317654)

OMIM
Classification: Pathogenic for PERIVENTRICULAR NODULAR HETEROTOPIA 9. Last evaluated: 2020-06-29. Review status: no assertion criteria provided. Collection method: literature only. Allele origin: germline. Not counted in ClinVar's aggregate classification.

Literature cited by the submitters: PubMed 31317654 (cited by OMIM).